The following is an entry in ClinVar:

ClinVar aggregate classification (germline): Uncertain significance (1 of 4 stars; one submission).

gnomAD v4.1: 4 of 1,613,316 alleles (0.00025%); highest among the groups gnomAD compares: Admixed American, 0.0067%; no homozygotes.

Submission:

Labcorp Genetics (formerly Invitae), Labcorp
Classification: Uncertain significance. Last evaluated: 2022-10-17. Review status: criteria provided, single submitter. Criteria: Invitae Variant Classification Sherloc (09022015). Collection method: clinical testing. Allele origin: germline.
Comment: This sequence change replaces methionine, which is neutral and non-polar, with isoleucine, which is neutral and non-polar, at codon 769 of the KMT2B protein (p.Met769Ile). This variant is present in population databases (no rsID available, gnomAD 0.009%). This variant has not been reported in the literature in individuals affected with KMT2B-related conditions. Advanced modeling of protein sequence and biophysical properties (such as structural, functional, and spatial information, amino acid conservation, physicochemical variation, residue mobility, and thermodynamic stability) performed at Invitae indicates that this missense variant is not expected to disrupt KMT2B protein function. In summary, the available evidence is currently insufficient to determine the role of this variant in disease. Therefore, it has been classified as a Variant of Uncertain Significance.

NM_014727.3(KMT2B):c.2307G>T (p.Met769Ile)

Gene: KMT2B (lysine methyltransferase 2B; plus strand). Cytogenetic location: 19q13.12.
Variant type: single nucleotide variant.
Coding change: c.2307G>T on transcript NM_014727.3 (MANE Select); coding-DNA position 2307, G replaced by T.
Protein change: p.Met769Ile; replaces methionine 769 with isoleucine.
Molecular consequence: missense variant.
Genome position (GRCh38, 1-based): chr19:35,721,654, G>T. VCF-style: chr19-35721654-G-T. GRCh37 (hg19) VCF-style: chr19-36212556-G-T.
Other names: short protein forms M769I.
Identifiers: ClinVar variation 1952492 (VCV001952492.5), dbSNP rs781315074, ClinGen allele CA405397523.